The following is an entry in ClinVar:

ClinVar aggregate classification (germline): Likely pathogenic (1 of 4 stars; one submission).

Conditions:
Deficiency of alpha-mannosidase (MANSA). Also called: Mannosidosis, alpha-, types I and II; LYSOSOMAL ALPHA-D-MANNOSIDASE DEFICIENCY; Alpha-Mannosidosis. Identifiers: Orphanet 61, MedGen C0024748, MONDO:0009561, OMIM 248500.

Submission:

Myriad Genetics, Inc.
Classification: Likely pathogenic for Deficiency of alpha-mannosidase. Last evaluated: 2022-01-25. Review status: criteria provided, single submitter. Criteria: Myriad Women's Health Autosomal Recessive and X-Linked Classification Criteria (2021). Collection method: clinical testing. Allele origin: unknown.
Comment: NM_000528.3(MAN2B1):c.739_740ins7(P247Lfs*79) is expected to be pathogenic in the context of alpha-mannosidosis. This variant is predicted to lead to an abnormal or absent protein product due to the creation of a premature termination codon in MAN2B1, a gene where loss-of-function variants are known to be pathogenic. Please note: this variant was assessed in the context of healthy population screening.

NM_000528.4(MAN2B1):c.739_740insTAAAGAT (p.Pro247fs)

Gene: MAN2B1 (mannosidase alpha class 2B member 1; minus strand). Cytogenetic location: 19p13.13.
Variant type: Insertion.
Coding change: c.739_740insTAAAGAT on transcript NM_000528.4 (MANE Select); coding-DNA positions 739 to 740, TAAAGAT inserted.
Protein change: p.Pro247fs; shifts the reading frame from proline 247.
Molecular consequence: frameshift variant.
Genome position: GRCh38 VCF-style: chr19-12663726-G-GATCTTTA. GRCh37 (hg19) VCF-style: chr19-12774540-G-GATCTTTA.
Other names: c.739_740insTAAAGAT, p.Pro247fs (NM_001173498.2); short protein forms P247fs.
Identifiers: ClinVar variation 1724103 (VCV001724103.2), dbSNP rs2512512259, ClinGen allele CA2580096568.